The following is an entry in ClinVar:

NM_001130823.3(DNMT1):c.3874C>T (p.Arg1292Cys)

Gene: DNMT1 (DNA methyltransferase 1; minus strand). Cytogenetic location: 19p13.2.
Variant type: single nucleotide variant.
Coding change: c.3874C>T on transcript NM_001130823.3 (MANE Select); coding-DNA position 3874, C replaced by T.
Protein change: p.Arg1292Cys; replaces arginine 1292 with cysteine.
Molecular consequence: missense variant.
Genome position (GRCh38, 1-based): chr19:10,139,750, G>A on the plus strand (C>T on the coding strand, the complement: DNMT1 is on the minus strand). VCF-style: chr19-10139750-G-A. GRCh37 (hg19) VCF-style: chr19-10250426-G-A.
Other names: c.3826C>T, p.Arg1276Cys (NM_001318730.2, NM_001379.4); c.3511C>T, p.Arg1171Cys (NM_001318731.2); short protein forms R1171C, R1276C, R1292C.
Identifiers: ClinVar variation 2978165 (VCV002978165.3), dbSNP rs2513777628, ClinGen allele CA403972405.

ClinVar aggregate classification (germline): Uncertain significance (1 of 4 stars; one submission).

Conditions:
Hereditary sensory neuropathy-deafness-dementia syndrome. Also called: Hereditary sensory neuropathy type IE; HSN IE; NEUROPATHY, HEREDITARY SENSORY, WITH HEARING LOSS AND DEMENTIA; Hereditary Sensory and Autonomic Neuropathy Type 1E (HSAN1E). Identifiers: Orphanet 456318, MedGen C3279885, MONDO:0013584, OMIM 614116.

Submission:

Labcorp Genetics (formerly Invitae), Labcorp
Classification: Uncertain significance for Hereditary sensory neuropathy-deafness-dementia syndrome. Last evaluated: 2023-07-07. Review status: criteria provided, single submitter. Criteria: Invitae Variant Classification Sherloc (09022015). Collection method: clinical testing. Allele origin: germline.
Comment: In summary, the available evidence is currently insufficient to determine the role of this variant in disease. Therefore, it has been classified as a Variant of Uncertain Significance. Advanced modeling of protein sequence and biophysical properties (such as structural, functional, and spatial information, amino acid conservation, physicochemical variation, residue mobility, and thermodynamic stability) performed at Invitae indicates that this missense variant is not expected to disrupt DNMT1 protein function. This variant has not been reported in the literature in individuals affected with DNMT1-related conditions. This variant is not present in population databases (gnomAD no frequency). This sequence change replaces arginine, which is basic and polar, with cysteine, which is neutral and slightly polar, at codon 1292 of the DNMT1 protein (p.Arg1292Cys).